The following is an entry in ClinVar:

ClinVar aggregate classification (germline): Uncertain significance. Review status: criteria provided, multiple submitters, no conflicts (2 of 4 stars). 3 submissions from 3 submitters: Uncertain significance (3). Last evaluated 2025-11-11.

Conditions:
Upshaw-Schulman syndrome (TTP). Also called: THROMBOTIC THROMBOCYTOPENIC PURPURA, HEREDITARY; Congenital thrombotic thrombocytopenic purpura. Identifiers: Orphanet 93583, MedGen C1268935, MONDO:0010122, OMIM 274150.

Allele frequency attached by ClinVar (database versions not stated): ExAC 0.00002; gnomAD exomes 0.00002; gnomAD 0.00005; TOPMed 0.00012.
gnomAD v4.1: 36 of 1,613,302 alleles (0.0022%); highest among the groups gnomAD compares: African/African-American, 0.011%; no homozygotes.

Submissions (3):

Mayo Clinic Laboratories, Mayo Clinic
Classification: Uncertain significance. Last evaluated: 2025-11-11. Review status: criteria provided, single submitter. Criteria: ACMG Guidelines, 2015. Collection method: clinical testing. Allele origin: germline. Observed: 2 variant alleles.
Comment: PP3, PM2_supporting

Labcorp Genetics (formerly Invitae), Labcorp
Classification: Uncertain significance. Last evaluated: 2024-12-19. Review status: criteria provided, single submitter. Criteria: Invitae Variant Classification Sherloc (09022015). Collection method: clinical testing. Allele origin: germline.
Comment: This sequence change replaces arginine, which is basic and polar, with tryptophan, which is neutral and slightly polar, at codon 116 of the ADAMTS13 protein (p.Arg116Trp). This variant is present in population databases (rs782209298, gnomAD 0.01%). This variant has not been reported in the literature in individuals affected with ADAMTS13-related conditions. ClinVar contains an entry for this variant (Variation ID: 2065854). Invitae Evidence Modeling of protein sequence and biophysical properties (such as structural, functional, and spatial information, amino acid conservation, physicochemical variation, residue mobility, and thermodynamic stability) indicates that this missense variant is expected to disrupt ADAMTS13 protein function with a positive predictive value of 80%. In summary, the available evidence is currently insufficient to determine the role of this variant in disease. Therefore, it has been classified as a Variant of Uncertain Significance.

Fulgent Genetics
Classification: Uncertain significance for Upshaw-Schulman syndrome. Last evaluated: 2024-01-02. Review status: criteria provided, single submitter. Criteria: ACMG Guidelines, 2015. Collection method: clinical testing. Allele origin: germline.

NM_139027.6(ADAMTS13):c.346C>T (p.Arg116Trp)

Gene: ADAMTS13 (ADAM metallopeptidase with thrombospondin type 1 motif 13; plus strand). Cytogenetic location: 9q34.2.
Variant type: single nucleotide variant.
Coding change: c.346C>T on transcript NM_139027.6 (MANE Select); coding-DNA position 346, C replaced by T.
Protein change: p.Arg116Trp; replaces arginine 116 with tryptophan.
Molecular consequence: missense variant. On other transcripts: non-coding transcript variant (1).
Genome position (GRCh38, 1-based): chr9:133,425,544, C>T. VCF-style: chr9-133425544-C-T. GRCh37 (hg19) VCF-style: chr9-136290664-C-T.
Other names: p.Arg116Trp; c.346C>T, p.Arg116Trp (NM_139025.5, NM_139026.6); short protein forms R116W.
Identifiers: ClinVar variation 2065854 (VCV002065854.5), dbSNP rs782209298, ClinGen allele CA200881171.